The following is an entry in ClinVar:

NM_004656.4(BAP1):c.68-7_68-5del

Gene: BAP1 (BRCA1 associated deubiquitinase 1; minus strand). Cytogenetic location: 3p21.1.
Variant type: Deletion.
Coding change: c.68-7_68-5del on transcript NM_004656.4 (MANE Select); 7 bases into the intron before coding-DNA position 68 through 5 bases into the intron before coding-DNA position 68, 3 bases deleted (ATC; older notation c.68-7_68-5delATC).
Molecular consequence: intron variant.
Genome position (GRCh38, 1-based): chr3:52,409,613-52,409,615, GAT deleted on the plus strand (ATC on the coding strand, the reverse complement: BAP1 is on the minus strand); deleting any 3 consecutive bases within chr3:52,409,613-52,409,617 gives the same sequence; the c. name uses the placement nearest the transcript's 3' end. VCF-style (leftmost placement, unchanged base first): chr3-52409612-CGAT-C. GRCh37 (hg19) VCF-style: chr3-52443628-CGAT-C.
Other names: c.68-7_68-5delATC (NM_004656.3, NM_004656.2).
Identifiers: ClinVar variation 490882 (VCV000490882.12), dbSNP rs1219104537, ClinGen allele CA658683362.

ClinVar aggregate classification (germline): Likely benign. Review status: criteria provided, multiple submitters, no conflicts (2 of 4 stars). 4 submissions from 4 submitters: Likely benign (4). Last evaluated 2025-07-03.

Conditions:
Hereditary cancer-predisposing syndrome. Also called: Hereditary Cancer Syndrome; Neoplastic Syndromes, Hereditary; Tumor predisposition; Hereditary neoplastic syndrome. Identifiers: Orphanet 140162, MedGen C0027672, MeSH D009386, MONDO:0015356.
BAP1-related tumor predisposition syndrome (TPDS1). Also called: Tumor susceptibility linked to germline BAP1 mutations; BAP1 tumor predisposition syndrome; COMMON Syndrome; TUMOR PREDISPOSITION SYNDROME 1. Identifiers: Orphanet 289539, MedGen C3280492, MONDO:0013692, OMIM 614327.

Submissions (4):

Ambry Genetics
Classification: Likely benign for Hereditary cancer-predisposing syndrome. Last evaluated: 2025-07-03. Review status: criteria provided, single submitter. Criteria: Ambry Variant Classification Scheme 2023. Collection method: clinical testing. Allele origin: germline.

Labcorp Genetics (formerly Invitae), Labcorp
Classification: Likely benign for BAP1-related tumor predisposition syndrome. Last evaluated: 2025-03-18. Review status: criteria provided, single submitter. Criteria: Invitae Variant Classification Sherloc (09022015). Collection method: clinical testing. Allele origin: germline.

Myriad Genetics, Inc.
Classification: Likely benign for BAP1-related tumor predisposition syndrome. Last evaluated: 2024-07-11. Review status: criteria provided, single submitter. Criteria: Myriad Autosomal Dominant, Autosomal Recessive and X-Linked Classification Criteria (2023). Collection method: clinical testing. Allele origin: unknown.
Comment: This variant is considered likely benign. This variant is intronic and is not expected to impact mRNA splicing.

Color Diagnostics, LLC DBA Color Health
Classification: Likely benign for Hereditary cancer-predisposing syndrome. Last evaluated: 2016-12-12. Review status: criteria provided, single submitter. Criteria: ACMG Guidelines, 2015. Collection method: clinical testing. Allele origin: germline.

Literature cited by the submitters: PubMed 38969833 (cited by Ambry Genetics).